The following is an entry in ClinVar:

ClinVar aggregate classification (germline): Benign. Review status: reviewed by expert panel (3 of 4 stars). 17 submissions from 15 submitters: Benign (1). 16 of the submissions do not count toward it. Last evaluated 2024-12-06.

Conditions:
Mucopolysaccharidosis type 1. Also called: Mucopolysaccharidosis Type I; IDUA deficiency; MPS I. Identifiers: Orphanet 579, MedGen C0023786, MONDO:0001586.
Hurler syndrome. Also called: MUCOPOLYSACCHARIDOSIS TYPE IH; Severe MPS I (Hurler Syndrome); Gargoylism, Hurler Syndrome. Identifiers: Orphanet 93473, MedGen C0086795, MONDO:0011758, OMIM 607014.
Mucopolysaccharidosis, MPS-I-S. Also called: MUCOPOLYSACCHARIDOSIS TYPE IS; MPS V; MUCOPOLYSACCHARIDOSIS TYPE V; Scheie Syndrome. Identifiers: Orphanet 93474, MedGen C0026708, MONDO:0011760, OMIM 607016.
Mucopolysaccharidosis, MPS-I-H/S. Also called: Mucopolysaccharidosis type IH/S. Identifiers: Orphanet 93476, MedGen C0086431, MONDO:0011759, OMIM 607015.

Allele frequency attached by ClinVar (database versions not stated): gnomAD exomes 0.83910; TOPMed 0.85757; ExAC 0.91367; gnomAD 0.85085 and 0.85351; 1000 Genomes Project 30x 0.88991; 1000 Genomes Project 0.89197.
gnomAD v4.1: 1,199,746 of 1,472,526 alleles (81%); highest among the groups gnomAD compares: African/African-American, 96%; 490,912 homozygotes.

Submissions (25):

ClinGen Lysosomal Storage Disorder Variant Curation Expert Panel
Classification: Benign for Mucopolysaccharidosis type 1. Last evaluated: 2024-12-06. Review status: reviewed by expert panel. Criteria: ClinGen LSD ACMG Specifications IDUA V1.0.0. Collection method: curation. Allele origin: germline. Inheritance: Autosomal recessive inheritance.
Comment: The NM_000203.5:c.99T>G variant in IDUA is a missense variant predicted to cause substitution of histidine by glutamine at amino acid 33 (p.His33Gln). The highest population minor allele frequency in gnomAD v4.1.0 is 0.9605 (65474/68164 alleles; 31451 homozygotes; Grpmax Filtering AF 95% confidence = 0.9544) in the African/African American population, which is higher than the ClinGen Lysosomal Diseases VCEP’s threshold for BA1 (>0.005), and therefore meets this criterion (BA1). There is a ClinVar entry for this variant (Variation ID: 92651). In summary, this variant meets the criteria to be classified as benign for mucopolysaccharidosis type 1. IDUA-specific ACMG/AMP criteria applied, as specified by the ClinGen Lysosomal Diseases Variant Curation Expert Panel (Specifications Version 1.0.0): BA1. (Classification approved by the ClinGen Lysosomal Diseases Variant Curation Expert Panel on December 6, 2024)

Labcorp Genetics (formerly Invitae), Labcorp
Classification: Benign for Mucopolysaccharidosis type 1. Last evaluated: 2026-02-04. Review status: criteria provided, single submitter. Criteria: Invitae Variant Classification Sherloc (09022015). Collection method: clinical testing. Allele origin: germline. Not counted in ClinVar's aggregate classification.

Blueprint Genetics
Classification: Benign. Last evaluated: 2024-11-26. Review status: criteria provided, single submitter. Criteria: ACMG Guidelines, 2015. Collection method: clinical testing. Allele origin: germline. Not counted in ClinVar's aggregate classification.

Genome-Nilou Lab
Classification: Benign for Hurler syndrome. Last evaluated: 2021-07-14. Review status: criteria provided, single submitter. Criteria: ACMG Guidelines, 2015. Collection method: clinical testing. Allele origin: germline. Affected: no. Not counted in ClinVar's aggregate classification.

Genome-Nilou Lab
Classification: Benign for Mucopolysaccharidosis, MPS-I-H/S. Last evaluated: 2021-07-14. Review status: criteria provided, single submitter. Criteria: ACMG Guidelines, 2015. Collection method: clinical testing. Allele origin: germline. Affected: no. Not counted in ClinVar's aggregate classification.

Genome-Nilou Lab
Classification: Benign for Mucopolysaccharidosis, MPS-I-S. Last evaluated: 2021-07-14. Review status: criteria provided, single submitter. Criteria: ACMG Guidelines, 2015. Collection method: clinical testing. Allele origin: germline. Affected: no. Not counted in ClinVar's aggregate classification.

GeneDx
Classification: Benign. Last evaluated: 2018-04-03. Review status: criteria provided, single submitter. Criteria: GeneDx Variant Classification (06012015). Collection method: clinical testing. Allele origin: germline. Affected: yes. Not counted in ClinVar's aggregate classification.
Comment: This variant is considered likely benign or benign based on one or more of the following criteria: it is a conservative change, it occurs at a poorly conserved position in the protein, it is predicted to be benign by multiple in silico algorithms, and/or has population frequency not consistent with disease.

Illumina Laboratory Services, Illumina
Classification: Benign for Mucopolysaccharidosis type 1. Last evaluated: 2018-01-12. Review status: criteria provided, single submitter. Criteria: ICSL Variant Classification Criteria 13 December 2019. Collection method: clinical testing. Allele origin: germline. Not counted in ClinVar's aggregate classification.
Comment: This variant was observed in the ICSL laboratory as part of a predisposition screen in an ostensibly healthy population. It had not been previously curated by ICSL or reported in the Human Gene Mutation Database (HGMD: prior to June 1st, 2018), and was therefore a candidate for classification through an automated scoring system. Utilizing variant allele frequency, disease prevalence and penetrance estimates, and inheritance mode, an automated score was calculated to assess if this variant is too frequent to cause the disease. Based on the score and internal cut-off values, a variant classified as benign is not then subjected to further curation. The score for this variant resulted in a classification of benign for this disease.

Eurofins Ntd Llc (ga)
Classification: Benign. Last evaluated: 2017-08-25. Review status: criteria provided, single submitter. Criteria: EGL Classification Definitions 2015. Collection method: clinical testing. Allele origin: germline. Observed: 213 variant alleles, 65 heterozygotes, 149 homozygotes. Not counted in ClinVar's aggregate classification.

Breakthrough Genomics
Classification: Benign. Review status: criteria provided, single submitter. Criteria: ACMG Guidelines, 2015. Collection method: not provided. Allele origin: germline. Inheritance: Autosomal recessive inheritance. Affected: yes. Not counted in ClinVar's aggregate classification.

PreventionGenetics, part of Exact Sciences
Classification: Benign. Review status: criteria provided, single submitter. Criteria: ACMG Guidelines, 2015. Collection method: clinical testing. Allele origin: germline. Not counted in ClinVar's aggregate classification.

Natera, Inc.
Classification: Benign for Mucopolysaccharidosis type I. Last evaluated: 2017-05-11. Review status: no assertion criteria provided. Collection method: clinical testing. Allele origin: germline. Not counted in ClinVar's aggregate classification.

Mayo Clinic Laboratories, Mayo Clinic
Classification: Benign. Last evaluated: 2015-10-23. Review status: no assertion criteria provided. Collection method: clinical testing. Allele origin: unknown. Not counted in ClinVar's aggregate classification.

Clinical Genetics, Academic Medical Center
Classification: Benign. Review status: no assertion criteria provided. Collection method: clinical testing. Allele origin: germline. Affected: yes. Study: VKGL Data-share Consensus. Not counted in ClinVar's aggregate classification.

Department of Pathology and Laboratory Medicine, Sinai Health System
Classification: Benign. Review status: no assertion criteria provided. Collection method: clinical testing. Allele origin: unknown. Affected: yes. Study: The Canadian Open Genetics Repository (COGR). Not counted in ClinVar's aggregate classification.
Comment: The IDUA p.His33Gln variant was identified in the literature as polymorphism/benign in studies of patients with Mucopolysaccharidosis type I (MPS I) disease (Chkioua_2011_21639919, Azab_2017_28649516, Atceken_2016_27511503, Lin_2013_24053568, Li_2002_12509712). The variant was also identified in the following databases: dbSNP (ID: rs10794537) as â€šÃ„ÃºWith Benign Alleleâ€šÃ„Ã¹, ClinVar (3x, as benign), Clinvitae database (3x as benign). This variant was identified in the 1000 Genomes Project in 4467 of 5008 chromosomes (frequency: 0.9), the genome Aggregation Database (beta, October 19th 2016) in 9303 (4255 homozygous) of 10182 chromosomes (freq. 0.9), the Exome Aggregation Consortium database (August 8th 2016) in 92436 (39108 homozygous) of 110100 chromosomes (freq. 0.83) in the following populations: African in 9151 of 9570 chromosomes (freq. 0.95), other in 2692 of 3248 chromosomes (freq. 0.82), Latino in 13176 of 16524 chromosomes (freq. 0.8), European non Finnish in 35257 of 44264 chromosomes (freq. 0.8), Ashkenazi Jewish in 6104 of 6814 chromosomes (freq. 0.9), east Asian in 3947 of 4612 chromosomes (freq. 0.85), Finnish in 6417 of 8150 chromosomes (freq. 0.8), and South Asian in 15692 of 16918 chromosomes (freq. 0.8), increasing the likelihood this is a high frequency benign variant, seen in all populations. The p.His33 residue is not conserved in mammals and computational analyses (PolyPhen-2, SIFT, AlignGVGD, BLOSUM, MutationTaster) do not suggest a high likelihood of impact to the protein; however, this information is not predictive enough to rule out pathogenicity. The variant occurs outside of the splicing consensus sequence and 4 of 5 in silico or computational prediction software programs (SpliceSiteFinder, MaxEntScan, NNSPLICE, GeneSplicer, HumanSpliceFinder) predict a greater than 10% difference in splicing. However, this information is not predictive enough to assume pathogenicity. In summary, based on the above information, this variant meets our laboratory's criteria to be classified as benign.

Diagnostic Laboratory, Department of Genetics, University Medical Center Groningen
Classification: Benign. Review status: no assertion criteria provided. Collection method: clinical testing. Allele origin: germline. Affected: yes. Study: VKGL Data-share Consensus. Not counted in ClinVar's aggregate classification.

Dr. Peter K. Rogan Lab, Western University
No classification provided (evidence only). Condition: Lung cancer. Review status: no classification provided. Collection method: in vitro. Allele origin: not applicable. Functional consequence: retained intron. Not counted in ClinVar's aggregate classification.

Dr. Peter K. Rogan Lab, Western University
No classification provided (evidence only). Condition: Lung cancer. Review status: no classification provided. Collection method: in vitro. Allele origin: not applicable. Functional consequence: retained intron. Not counted in ClinVar's aggregate classification.

Dr. Peter K. Rogan Lab, Western University
No classification provided (evidence only). Condition: Acute myeloid leukemia. Review status: no classification provided. Collection method: in vitro. Allele origin: not applicable. Functional consequence: retained intron. Not counted in ClinVar's aggregate classification.

Dr. Peter K. Rogan Lab, Western University
No classification provided (evidence only). Condition: Acute myeloid leukemia. Review status: no classification provided. Collection method: in vitro. Allele origin: not applicable. Functional consequence: retained intron. Not counted in ClinVar's aggregate classification.

Dr. Peter K. Rogan Lab, Western University
No classification provided (evidence only). Condition: Cervical cancer. Review status: no classification provided. Collection method: in vitro. Allele origin: not applicable. Functional consequence: retained intron. Not counted in ClinVar's aggregate classification.

Dr. Peter K. Rogan Lab, Western University
No classification provided (evidence only). Condition: Thymoma. Review status: no classification provided. Collection method: in vitro. Allele origin: not applicable. Functional consequence: retained intron. Not counted in ClinVar's aggregate classification.

Dr. Peter K. Rogan Lab, Western University
No classification provided (evidence only). Condition: Gastric cancer. Review status: no classification provided. Collection method: in vitro. Allele origin: not applicable. Functional consequence: retained intron. Not counted in ClinVar's aggregate classification.

Dr. Peter K. Rogan Lab, Western University
No classification provided (evidence only). Condition: Uterine carcinosarcoma. Review status: no classification provided. Collection method: in vitro. Allele origin: not applicable. Functional consequence: retained intron. Not counted in ClinVar's aggregate classification.

Joint Genome Diagnostic Labs from Nijmegen and Maastricht, Radboudumc and MUMC+
Classification: Benign. Review status: no assertion criteria provided. Collection method: clinical testing. Allele origin: germline. Affected: yes. Study: VKGL Data-share Consensus. Not counted in ClinVar's aggregate classification.

Literature cited by the submitters: PubMed 12509712 (cited by Eurofins Ntd Llc (ga)); PubMed 24053568 (cited by Eurofins Ntd Llc (ga)).

NM_000203.5(IDUA):c.99T>G (p.His33Gln)

Genes: IDUA (alpha-L-iduronidase; plus strand), SLC26A1 (solute carrier family 26 member 1; minus strand). Cytogenetic location: 4p16.3.
Variant type: single nucleotide variant.
Coding change: c.99T>G on transcript NM_000203.5 (MANE Select); coding-DNA position 99, T replaced by G.
Protein change: p.His33Gln; replaces histidine 33 with glutamine.
Molecular consequence: missense variant. On other transcripts: non-coding transcript variant (1), intron variant (1).
Genome position (GRCh38, 1-based): chr4:987,183, T>G. VCF-style: chr4-987183-T-G. GRCh37 (hg19) VCF-style: chr4-980971-T-G.
Other names: NM_000203.5(IDUA):c.99T>G; c.576+3945A>C (NM_134425.4); short protein forms H33Q.
Identifiers: ClinVar variation 92651 (VCV000092651.42), dbSNP rs10794537, ClinGen allele CA145894.